The following is an entry in ClinVar:

ClinVar aggregate classification (germline): Uncertain significance (1 of 4 stars; one submission).

Submission:

CeGaT Center for Human Genetics Tuebingen
Classification: Uncertain significance. Last evaluated: 2024-07-01. Review status: criteria provided, single submitter. Criteria: CeGaT Center For Human Genetics Tuebingen Variant Classification Criteria Version 2. Collection method: clinical testing. Allele origin: germline. Affected: yes. Observed: 1 variant allele.
Comment: TET3: PM2, PP2

NM_001287491.2(TET3):c.3139G>A (p.Glu1047Lys)

Gene: TET3 (tet methylcytosine dioxygenase 3; plus strand). Cytogenetic location: 2p13.1.
Variant type: single nucleotide variant.
Coding change: c.3139G>A on transcript NM_001287491.2 (MANE Select); coding-DNA position 3139, G replaced by A.
Protein change: p.Glu1047Lys; replaces glutamic acid 1047 with lysine.
Molecular consequence: missense variant.
Genome position (GRCh38, 1-based): chr2:74,093,538, G>A. VCF-style: chr2-74093538-G-A. GRCh37 (hg19) VCF-style: chr2-74320665-G-A.
Other names: c.2860G>A, p.Glu954Lys (NM_001366022.1); short protein forms E1047K, E954K.
Identifiers: ClinVar variation 3257264 (VCV003257264.17).
Genomic context (GRCh38, chr2:74,093,538, plus strand): 5'-GGGCCACTCACCTCAGGTCATGTGAGCACCTCTCCTTGGCTGTCTACACAGGTGACCAAC[G>A]AGGAAATAGCGATTGACTGCCGTCTGGGGCTGAAGGAAGGACGGCCCTTCGCGGGGGTCA-3'
Protein context (NP_001274420.1, residues 1037-1057): PQAYQNQVTN[Glu1047Lys]EIAIDCRLGL